The following is an entry in ClinVar:

NM_001382430.1(AKT1):c.1390G>A (p.Glu464Lys)

Gene: AKT1 (AKT serine/threonine kinase 1; minus strand). Cytogenetic location: 14q32.33.
Variant type: single nucleotide variant.
Coding change: c.1390G>A on transcript NM_001382430.1 (MANE Select); coding-DNA position 1390, G replaced by A.
Protein change: p.Glu464Lys; replaces glutamic acid 464 with lysine.
Molecular consequence: missense variant.
Genome position (GRCh38, 1-based): chr14:104,770,394, C>T on the plus strand (G>A on the coding strand, the complement: AKT1 is on the minus strand). VCF-style: chr14-104770394-C-T. GRCh37 (hg19) VCF-style: chr14-105236731-C-T.
Other names: c.1390G>A, p.Glu464Lys (NM_001014431.2, NM_001014432.2, NM_001382431.1 and 3 more transcripts); short protein forms E464K.
Identifiers: ClinVar variation 584874 (VCV000584874.11), dbSNP rs745803788, ClinGen allele CA7374441.

ClinVar aggregate classification (germline): Uncertain significance. Review status: criteria provided, multiple submitters, no conflicts (2 of 4 stars). 2 submissions from 2 submitters: Uncertain significance (2). Last evaluated 2022-09-23.

Conditions:
Cowden syndrome 6 (CWS6). Identifiers: Orphanet 201, MedGen C3554519, MONDO:0014048, OMIM 615109.

Allele frequency attached by ClinVar (database versions not stated): gnomAD exomes 0.00001 and 0.00004; ExAC 0.00003; TOPMed 0.00003.

Submissions (2):

Labcorp Genetics (formerly Invitae), Labcorp
Classification: Uncertain significance for Cowden syndrome 6. Last evaluated: 2022-09-23. Review status: criteria provided, single submitter. Criteria: Invitae Variant Classification Sherloc (09022015). Collection method: clinical testing. Allele origin: germline.
Comment: This sequence change replaces glutamic acid, which is acidic and polar, with lysine, which is basic and polar, at codon 464 of the AKT1 protein (p.Glu464Lys). This variant is present in population databases (rs745803788, gnomAD 0.006%). This variant has not been reported in the literature in individuals affected with AKT1-related conditions. ClinVar contains an entry for this variant (Variation ID: 584874). Algorithms developed to predict the effect of missense changes on protein structure and function are either unavailable or do not agree on the potential impact of this missense change (SIFT: "Tolerated"; PolyPhen-2: "Possibly Damaging"; Align-GVGD: "Class C0"). In summary, the available evidence is currently insufficient to determine the role of this variant in disease. Therefore, it has been classified as a Variant of Uncertain Significance.

Mendelics
Classification: Uncertain significance for Cowden syndrome 6. Last evaluated: 2018-07-02. Review status: criteria provided, single submitter. Criteria: Mendelics Assertion Criteria 2017. Collection method: clinical testing. Allele origin: unknown.